The following is an entry in ClinVar:

ClinVar aggregate classification (germline): Pathogenic (1 of 4 stars; one submission).

Conditions:
Fabry disease. Also called: Fabry's disease; ALPHA-GALACTOSIDASE A DEFICIENCY; ANDERSON-FABRY DISEASE; CERAMIDE TRIHEXOSIDASE DEFICIENCY; GLA DEFICIENCY; HEREDITARY DYSTOPIC LIPIDOSIS. Identifiers: Orphanet 324, MedGen C0002986, MONDO:0010526, OMIM 301500, HP:0001071. Disease mechanism: Fabry disease is due to inactivating mutations in the X-linked GLA gene resulting in deficiency of the enzyme Alpha Galactosidase-A., loss of function.

Submission:

Genomenon, Inc
Classification: Pathogenic for Fabry disease. Last evaluated: 2026-09-08. Review status: criteria provided, single submitter. Criteria: Genomenon Sequence Variant Interpretation Standards - Updated. Collection method: curation. Allele origin: germline. Affected: yes.
Comment: GLA p.Trp226delinsCysTer (c.678_679delinsTT) is a deletion-insertion variant that replaces Tryptophan at residue 226 with Cysteine and introduces a premature termination codon at residue 227, resulting in a truncated or absent protein product. This variant has been observed in at least one proband with clinical features consistent with Fabry disease (PMID:12938095). It is absent or not present at a significant frequency in gnomAD. In conclusion, we classify GLA p.Trp226delinsCysTer (c.678_679delinsTT) as a pathogenic variant.

Literature cited by the submitters: PubMed 12938095.

NM_000169.3(GLA):c.678_679delinsTT (p.Trp226_Arg227delinsCysTer)

Genes: GLA (galactosidase alpha; minus strand), RPL36A-HNRNPH2 (RPL36A-HNRNPH2 readthrough; plus strand). Cytogenetic location: Xq22.1.
Variant type: Indel.
Coding change: c.678_679delinsTT on transcript NM_000169.3 (MANE Select); coding-DNA positions 678 to 679, GC replaced by TT.
Protein change: p.Trp226_Arg227delinsCysTer.
Molecular consequence: nonsense. On other transcripts: non-coding transcript variant (3), intron variant (2).
Genome position (GRCh38, 1-based): chrX:101,398,907-101,398,908, GC replaced by AA on the plus strand (GC replaced by TT on the coding strand, the reverse complement: GLA is on the minus strand). VCF-style: chrX-101398907-GC-AA. GRCh37 (hg19) VCF-style: chrX-100653895-GC-AA.
Other names: c.801_802delinsTT, p.Trp267_Arg268delinsCysTer (NM_001406747.1); c.678_679delinsTT, p.Trp226_Arg227delinsCysTer (NM_001406748.1); c.300+3450_300+3451delinsAA (NM_001199973.2); c.177+7085_177+7086delinsAA (NM_001199974.2).
Identifiers: ClinVar variation 4974908 (VCV004974908.1).